The following is an entry in ClinVar:

NM_172107.4(KCNQ2):c.2608C>T (p.Pro870Ser)

Gene: KCNQ2 (potassium voltage-gated channel subfamily Q member 2; minus strand). Cytogenetic location: 20q13.33.
Variant type: single nucleotide variant.
Coding change: c.2608C>T on transcript NM_172107.4 (MANE Select); coding-DNA position 2608, C replaced by T.
Protein change: p.Pro870Ser; replaces proline 870 with serine.
Molecular consequence: missense variant.
Genome position (GRCh38, 1-based): chr20:63,406,655, G>A on the plus strand (C>T on the coding strand, the complement: KCNQ2 is on the minus strand). VCF-style: chr20-63406655-G-A. GRCh37 (hg19) VCF-style: chr20-62038008-G-A.
Other names: c.2662C>T, p.Pro888Ser (NM_001382235.1); c.2524C>T, p.Pro842Ser (NM_004518.6); c.2554C>T, p.Pro852Ser (NM_172106.3); c.2515C>T, p.Pro839Ser (NM_172108.5); short protein forms P852S, P888S, P842S, P870S, P839S.
Identifiers: ClinVar variation 1923511 (VCV001923511.5), dbSNP rs2516089887, ClinGen allele CA409636340.

ClinVar aggregate classification (germline): Uncertain significance (1 of 4 stars; one submission).

Conditions:
Early-infantile DEE. Also called: Ohtahara syndrome; Early infantile epileptic encephalopathy with suppression bursts; Early infantile epileptic encephalopathy. Identifiers: Orphanet 1934, MedGen C0393706, MONDO:0800491.

Submission:

Labcorp Genetics (formerly Invitae), Labcorp
Classification: Uncertain significance for Early-infantile DEE. Last evaluated: 2024-05-02. Review status: criteria provided, single submitter. Criteria: Invitae Variant Classification Sherloc (09022015). Collection method: clinical testing. Allele origin: germline.
Comment: This sequence change replaces proline, which is neutral and non-polar, with serine, which is neutral and polar, at codon 870 of the KCNQ2 protein (p.Pro870Ser). This variant is not present in population databases (gnomAD no frequency). This variant has not been reported in the literature in individuals affected with KCNQ2-related conditions. ClinVar contains an entry for this variant (Variation ID: 1923511). Algorithms developed to predict the effect of missense changes on protein structure and function output the following: SIFT: "Not Available"; PolyPhen-2: "Benign"; Align-GVGD: "Not Available". The serine amino acid residue is found in multiple mammalian species, which suggests that this missense change does not adversely affect protein function. In summary, the available evidence is currently insufficient to determine the role of this variant in disease. Therefore, it has been classified as a Variant of Uncertain Significance.